The following is an entry in ClinVar:

NM_000478.6(ALPL):c.799_804del (p.His267_Phe268del)

Gene: ALPL (alkaline phosphatase, biomineralization associated; plus strand). Cytogenetic location: 1p36.12.
Variant type: Deletion.
Coding change: c.799_804del on transcript NM_000478.6 (MANE Select); coding-DNA positions 799 to 804, 6 bases deleted (CACTTC; older notation c.799_804delCACTTC).
Protein change: p.His267_Phe268del.
Molecular consequence: inframe deletion.
Genome position (GRCh38, 1-based): chr1:21,570,311-21,570,316, CACTTC deleted; deleting any 6 consecutive bases within chr1:21,570,310-21,570,316 gives the same sequence; the c. name uses the placement nearest the transcript's 3' end. VCF-style (leftmost placement, unchanged base first): chr1-21570309-CCCACTT-C. GRCh37 (hg19) VCF-style: chr1-21896802-CCCACTT-C.
Other names: c.634_639del, p.His212_Phe213del (NM_001127501.4); c.568_573del, p.His190_Phe191del (NM_001177520.3); c.799_804del, p.His267_Phe268del (NM_001369803.2, NM_001369804.2, NM_001369805.2).
Identifiers: ClinVar variation 4086832 (VCV004086832.2).
Genomic context (GRCh38, chr1:21,570,309, plus strand): 5'-AGTCCTTCCGACTCTCCCTAGCCCCCGGCATGTGCTGACACAGCCCTTCCTCCTAGCACT[CCCACTT>C]CATCTGGAACCGCACGGAACTCCTGACCCTTGACCCCCACAATGTGGACTACCTATTGGG-3'

ClinVar aggregate classification (germline): Conflicting classifications of pathogenicity. Review status: criteria provided, conflicting classifications (1 of 4 stars). 2 submissions from 2 submitters: Likely pathogenic (1); Uncertain significance (1). Last evaluated 2025-08-29.

Conditions:
Hypophosphatasia. Also called: Phosphoethanol-aminuria. Identifiers: Orphanet 436, MedGen C0020630, MeSH D007014, MONDO:0018570.

Submissions (2):

Genomenon, Inc
Classification: Likely pathogenic for Hypophosphatasia. Last evaluated: 2025-08-29. Review status: criteria provided, single submitter. Criteria: Genomenon Sequence Variant Interpretation Standards. Collection method: curation. Allele origin: germline. Affected: yes.
Comment: ALPL c.799_804del is an in-frame deletion variant that results in the deletion of a two amino acids, Histidine at position 267 and Phenylalanine at position 268. This variant has been observed in at least one proband affected with hypophosphatasia (PMID:27086862;28663156). It is absent or not present at a significant frequency in gnomAD. In conclusion, we classify ALPL p.His267_Phe268del (c.799_804del) as a likely pathogenic variant.

Blueprint Genetics
Classification: Uncertain significance. Last evaluated: 2019-06-20. Review status: criteria provided, single submitter. Criteria: ACMG Guidelines, 2015. Collection method: clinical testing. Allele origin: germline.

Literature cited by the submitters: PubMed 27086862 (cited by Genomenon, Inc); PubMed 28663156 (cited by Genomenon, Inc).